The following is an entry in ClinVar:

ClinVar aggregate classification (germline): Uncertain significance (1 of 4 stars; one submission).

gnomAD v4.1: 3 of 1,614,030 alleles (0.00019%); highest among the groups gnomAD compares: Non-Finnish European, 0.00025%; no homozygotes.

Submission:

CeGaT Center for Human Genetics Tuebingen
Classification: Uncertain significance. Last evaluated: 2026-02-01. Review status: criteria provided, single submitter. Criteria: CeGaT Center For Human Genetics Tuebingen Variant Classification Criteria Version 2. Collection method: clinical testing. Allele origin: germline. Affected: yes. Observed: 1 variant allele.
Comment: GLI1: PVS1:Moderate, PM2:Supporting

NM_005269.3(GLI1):c.1867C>T (p.Arg623Ter)

Gene: GLI1 (GLI family zinc finger 1; plus strand). Cytogenetic location: 12q13.3.
Variant type: single nucleotide variant.
Coding change: c.1867C>T on transcript NM_005269.3 (MANE Select); coding-DNA position 1867, C replaced by T.
Protein change: p.Arg623Ter; replaces arginine 623 with a stop codon.
Molecular consequence: nonsense.
Genome position (GRCh38, 1-based): chr12:57,470,607, C>T. VCF-style: chr12-57470607-C-T. GRCh37 (hg19) VCF-style: chr12-57864390-C-T.
Other names: c.1483C>T, p.Arg495Ter (NM_001160045.2); c.1744C>T, p.Arg582Ter (NM_001167609.2); short protein forms R495*, R582*, R623*.
Identifiers: ClinVar variation 4822284 (VCV004822284.4).